The following is an entry in ClinVar:

NC_000005.10:g.112849895G>T

Variant type: single nucleotide variant.
Genome position: GRCh38 VCF-style: chr5-112849895-G-T. GRCh37 (hg19) VCF-style: chr5-112185592-G-T.
Identifiers: ClinVar variation 83299 (VCV000083299.3), dbSNP rs78424514, ClinGen allele CA250991.

ClinVar aggregate classification (germline): other (0 of 4 stars; one submission).

Conditions:
Familial colorectal cancer. Identifiers: MedGen CN280943, MONDO:0023113. Disease mechanism: loss of function.

Submission:

Systems Biology Platform Zhejiang California International NanoSystems Institute
Classification: other for Familial colorectal cancer. Review status: no assertion criteria provided. Collection method: not provided. Allele origin: unknown.
ClinVar note: Converted during submission from cancer to other.